The following is an entry in ClinVar:

ClinVar aggregate classification (germline): Uncertain significance (1 of 4 stars; one submission).

Conditions:
Familial thoracic aortic aneurysm and aortic dissection (TAAD). Also called: Thoracic aortic aneurysms and dissections. Identifiers: Orphanet 91387, MedGen C4707243, MONDO:0019625.

Allele frequency attached by ClinVar (database versions not stated): gnomAD exomes below 0.00001.
gnomAD v4.1: 1 of 1,612,470 alleles (0.000062%); highest among the groups gnomAD compares: Non-Finnish European, 0.000085%; no homozygotes.

Submission:

Ambry Genetics
Classification: Uncertain significance for Familial thoracic aortic aneurysm and aortic dissection. Last evaluated: 2021-04-05. Review status: criteria provided, single submitter. Criteria: Ambry Variant Classification Scheme 2023. Collection method: clinical testing. Allele origin: germline.
Comment: The c.2741-3C>G intronic variant results from a C to G substitution 3 nucleotides upstream from coding exon 18 in the NOTCH1 gene. This nucleotide position is well conserved in available vertebrate species. In silico splice site analysis predicts that this alteration will result in the creation or strengthening of a novel splice acceptor site. Since supporting evidence is limited at this time, the clinical significance of this alteration remains unclear.

NM_017617.5(NOTCH1):c.2741-3C>G

Gene: NOTCH1 (notch receptor 1; minus strand). Cytogenetic location: 9q34.3.
Variant type: single nucleotide variant.
Coding change: c.2741-3C>G on transcript NM_017617.5 (MANE Select); 3 bases into the intron before coding-DNA position 2741, C replaced by G.
Molecular consequence: intron variant.
Genome position (GRCh38, 1-based): chr9:136,509,964, G>C on the plus strand (C>G on the coding strand, the complement: NOTCH1 is on the minus strand). VCF-style: chr9-136509964-G-C. GRCh37 (hg19) VCF-style: chr9-139404416-G-C.
Identifiers: ClinVar variation 1795438 (VCV001795438.2), dbSNP rs2133351490, ClinGen allele CA2580080943.